The following is an entry in ClinVar:

NM_001365536.1(SCN9A):c.5309G>C (p.Ser1770Thr)

Genes: SCN1A-AS1 (SCN1A and SCN9A antisense RNA 1; plus strand), SCN9A (sodium voltage-gated channel alpha subunit 9; minus strand). Cytogenetic location: 2q24.3.
Variant type: single nucleotide variant.
Coding change: c.5309G>C on transcript NM_001365536.1 (MANE Select); coding-DNA position 5309, G replaced by C.
Protein change: p.Ser1770Thr; replaces serine 1770 with threonine.
Molecular consequence: missense variant.
Genome position (GRCh38, 1-based): chr2:166,199,330, C>G on the plus strand (G>C on the coding strand, the complement: SCN9A is on the minus strand). VCF-style: chr2-166199330-C-G. GRCh37 (hg19) VCF-style: chr2-167055840-C-G.
Other names: c.5276G>C, p.Ser1759Thr (NM_002977.4); short protein forms S1759T, S1770T.
Identifiers: ClinVar variation 2952927 (VCV002952927.3), dbSNP rs1421686534, ClinGen allele CA349053641.

ClinVar aggregate classification (germline): Uncertain significance (1 of 4 stars; one submission).

Conditions:
Neuropathy, hereditary sensory and autonomic, type 2A (HSAN2A). Also called: MORVAN DISEASE; NEUROPATHY, CONGENITAL SENSORY; NEUROPATHY, HEREDITARY SENSORY RADICULAR, AUTOSOMAL RECESSIVE; NEUROPATHY, HEREDITARY SENSORY, TYPE IIA; NEUROPATHY, PROGRESSIVE SENSORY, OF CHILDREN; HSAN IIA. Identifiers: Orphanet 970, MedGen C2752089, MONDO:0024309, OMIM 201300.
Generalized epilepsy with febrile seizures plus, type 7 (GEFSP7). Also called: GEFS+, TYPE 7. Identifiers: Orphanet 36387, MedGen C2751778, MONDO:0013470, OMIM 613863.

Submission:

Labcorp Genetics (formerly Invitae), Labcorp
Classification: Uncertain significance for Neuropathy, hereditary sensory and autonomic, type 2A; Generalized epilepsy with febrile seizures plus, type 7. Last evaluated: 2023-11-12. Review status: criteria provided, single submitter. Criteria: Invitae Variant Classification Sherloc (09022015). Collection method: clinical testing. Allele origin: germline.
Comment: This sequence change replaces serine, which is neutral and polar, with threonine, which is neutral and polar, at codon 1759 of the SCN9A protein (p.Ser1759Thr). This variant is not present in population databases (gnomAD no frequency). This variant has not been reported in the literature in individuals affected with SCN9A-related conditions. Advanced modeling of protein sequence and biophysical properties (such as structural, functional, and spatial information, amino acid conservation, physicochemical variation, residue mobility, and thermodynamic stability) has been performed at Invitae for this missense variant, however the output from this modeling did not meet the statistical confidence thresholds required to predict the impact of this variant on SCN9A protein function. In summary, the available evidence is currently insufficient to determine the role of this variant in disease. Therefore, it has been classified as a Variant of Uncertain Significance.